The following is an entry in ClinVar:

NM_001034116.2(EIF2B4):c.974AGA[1] (p.Lys326del)

Genes: EIF2B4 (eukaryotic translation initiation factor 2B subunit delta; minus strand), GTF3C2-AS2 (GTF3C2 antisense RNA 2; plus strand). Cytogenetic location: 2p23.3.
Variant type: Microsatellite.
Coding change: c.974AGA[1] on transcript NM_001034116.2 (MANE Select); one copy of the 3-base unit AGA starting at c.974; the reference has two copies in a row; one copy, 3 bases deleted.
Protein change: p.Lys326del; deletes lysine 326.
Genome position (GRCh38, 1-based): chr2:27,367,108-27,367,110, TCT deleted on the plus strand (AGA on the coding strand, the reverse complement: EIF2B4 is on the minus strand); deleting any 3 consecutive bases within chr2:27,367,108-27,367,113 gives the same sequence; the position shown is the placement nearest the transcript's 3' end. VCF-style (leftmost placement, unchanged base first): chr2-27367107-ATCT-A. GRCh37 (hg19) VCF-style: chr2-27589974-ATCT-A.
Other names: c.1037AGA[1], p.Lys347del (NM_001318965.2); c.929AGA[1], p.Lys311del (NM_001318966.2); c.881AGA[1], p.Lys295del (NM_001318967.2); c.389AGA[1], p.Lys131del (NM_001318968.2); c.356AGA[1], p.Lys120del (NM_001318969.2); c.971AGA[1], p.Lys325del (NM_015636.4); c.1034AGA[1], p.Lys346del (NM_172195.4); short protein forms K325del, K346del, K120del, K311del, K131del, K326del, K347del, K295del.
Identifiers: ClinVar variation 4763763 (VCV004763763.1).

ClinVar aggregate classification (germline): Uncertain significance (1 of 4 stars; one submission).

Submission:

Labcorp Genetics (formerly Invitae), Labcorp
Classification: Uncertain significance. Last evaluated: 2025-07-07. Review status: criteria provided, single submitter. Criteria: Invitae Variant Classification Sherloc (09022015). Collection method: clinical testing. Allele origin: germline.
Comment: This variant, c.974_976del, results in the deletion of 1 amino acid(s) of the EIF2B4 protein (p.Lys325del), but otherwise preserves the integrity of the reading frame. This variant is not present in population databases (gnomAD no frequency). This variant has not been reported in the literature in individuals affected with EIF2B4-related conditions. Experimental studies and prediction algorithms are not available or were not evaluated, and the functional significance of this variant is currently unknown. Algorithms developed to predict the effect of sequence changes on RNA splicing suggest that this variant may disrupt the consensus splice site. In summary, the available evidence is currently insufficient to determine the role of this variant in disease. Therefore, it has been classified as a Variant of Uncertain Significance.